The following is an entry in ClinVar:

ClinVar aggregate classification (germline): Likely benign. Review status: criteria provided, multiple submitters, no conflicts (2 of 4 stars). 2 submissions from 2 submitters: Likely benign (2). Last evaluated 2017-04-27.

Conditions:
Congenital stationary night blindness 1F. Also called: Night blindness, congenital stationary (complete), 1F, autosomal recessive. Identifiers: Orphanet 215, MedGen C3554399, MONDO:0014026, OMIM 615058.

Allele frequency attached by ClinVar (database versions not stated): gnomAD 0.04322 and 0.04634; 1000 Genomes Project 0.04633; TOPMed 0.04804; 1000 Genomes Project 30x 0.04981; gnomAD exomes 0.12500.
gnomAD v4.1: 6,532 of 152,302 alleles (4.3%); highest among the groups gnomAD compares: African/African-American, 14%; 440 homozygotes.

Submissions (2):

Illumina Laboratory Services, Illumina
Classification: Likely benign for Congenital stationary night blindness 1F. Last evaluated: 2017-04-27. Review status: criteria provided, single submitter. Criteria: ICSL Variant Classification Criteria 13 December 2019. Collection method: clinical testing. Allele origin: germline.
Comment: This variant was observed as part of a predisposition screen in an ostensibly healthy population. A literature search was performed for the gene, cDNA change, and amino acid change (where applicable). No publications were found based on this search. Allele frequency data from public databases allowed determination this variant is unlikely to cause disease. Therefore, this variant is classified as likely benign.

Breakthrough Genomics
Classification: Likely benign. Review status: criteria provided, single submitter. Criteria: ACMG Guidelines, 2015. Collection method: not provided. Allele origin: germline. Inheritance: Autosomal recessive inheritance. Affected: yes.

NM_198506.5(LRIT3):c.*1194T>A

Gene: LRIT3 (leucine rich repeat, Ig-like and transmembrane domains 3; plus strand). Cytogenetic location: 4q25.
Variant type: single nucleotide variant.
Coding change: c.*1194T>A on transcript NM_198506.5 (MANE Select); 1194 bases downstream of the stop codon, T replaced by A.
Molecular consequence: 3 prime UTR variant.
Genome position (GRCh38, 1-based): chr4:109,871,983, T>A. VCF-style: chr4-109871983-T-A. GRCh37 (hg19) VCF-style: chr4-110793139-T-A.
Identifiers: ClinVar variation 347213 (VCV000347213.6), dbSNP rs56285361, ClinGen allele CA10619860.